The following is an entry in ClinVar:

NM_001849.4(COL6A2):c.1770+1del

Gene: COL6A2 (collagen type VI alpha 2 chain; plus strand). Cytogenetic location: 21q22.3.
Variant type: Deletion.
Coding change: c.1770+1del on transcript NM_001849.4 (MANE Select); the canonical splice donor site of the intron after coding-DNA position 1770, one base deleted (G; older notation c.1770+1delG).
Molecular consequence: splice donor variant.
Genome position (GRCh38, 1-based): chr21:46,124,921, G deleted; the last of 2 consecutive G bases (chr21:46,124,920-46,124,921); deleting either gives the same sequence. VCF-style (leftmost placement, unchanged base first): chr21-46124919-CG-C. GRCh37 (hg19) VCF-style: chr21-47544833-CG-C.
Other names: c.1770+1delG (NM_001849.3); c.1770+1del (NM_058175.3, NM_058174.3).
Identifiers: ClinVar variation 289581 (VCV000289581.14), dbSNP rs886044215, ClinGen allele CA10606489.
Genomic context (GRCh38, chr21:46,124,919, plus strand): 5'-TCTCAGCCTCATCCTTCCTTCCCCAGGGTGAGCCCGGCCCCCCTGGAGACCCCGGTCTCA[CG>C]GTAGGTGTCACATGGGGCAGAACCAGTGTCCTTCTCCTGCCAAAACTAGACACCAAGAGC-3'

ClinVar aggregate classification (germline): Pathogenic/Likely pathogenic. Review status: criteria provided, multiple submitters, no conflicts (2 of 4 stars). 4 submissions from 4 submitters: Pathogenic (2); Likely pathogenic (2). Last evaluated 2025-02-03.

Conditions:
COL6A2-related disorder.
Bethlem myopathy 1A. Also called: MYOPATHY, BENIGN CONGENITAL, WITH CONTRACTURES; Bethlem myopathy 1; Bethlem Muscular Dystrophy. Identifiers: Orphanet 610, MedGen CN029274, MONDO:0024530, OMIM 158810.

Submissions (4):

PreventionGenetics, part of Exact Sciences
Classification: Pathogenic for COL6A2-related condition. Last evaluated: 2025-02-03. Review status: criteria provided, single submitter. Criteria: ACMG Guidelines, 2015. Collection method: clinical testing. Allele origin: germline.
Comment: The COL6A2 c.1770+1delG variant is predicted to result in a deletion affecting a canonical splice site. This variant has been reported in the compound heterozygous state in two siblings with Bethlem myopathy, and RNA studies from one sibling showed that this variant causes in-frame exon skipping at the N-terminal end of the triple-helical domain (reported as c.1770delG in Foley et al 2009. PubMed ID: 19884007). This variant is reported in 0.00089% of alleles in individuals of European (Non-Finnish) descent in gnomAD. This variant is interpreted as pathogenic.

GeneDx
Classification: Likely pathogenic. Last evaluated: 2023-01-04. Review status: criteria provided, single submitter. Criteria: GeneDx Variant Classification Process June 2021. Collection method: clinical testing. Allele origin: germline. Affected: yes.
Comment: Canonical splice site variant expected to result in aberrant splicing, although in the absence of functional evidence the actual effect of this sequence change is unknown.; Deletions involving coding exons of this gene are a known mechanism of disease (HGMD); Not observed at significant frequency in large population cohorts (gnomAD); This variant is associated with the following publications: (PMID: 19884007, 24077912)

Labcorp Genetics (formerly Invitae), Labcorp
Classification: Pathogenic for Bethlem myopathy 1A. Last evaluated: 2021-12-17. Review status: criteria provided, single submitter. Criteria: Invitae Variant Classification Sherloc (09022015). Collection method: clinical testing. Allele origin: germline.
Comment: Variants that disrupt the consensus splice site are a relatively common cause of aberrant splicing (PMID: 17576681, 9536098). Studies have shown that this variant is associated with altered splicing, but the impact on the resulting protein product is unknown (PMID: 19884007). For these reasons, this variant has been classified as Pathogenic. ClinVar contains an entry for this variant (Variation ID: 289581). This variant is also known as p.Thr590ThrfsX4 and c.1770+1del. This premature translational stop signal has been observed in individual(s) with autosomal recessive Bethlem myopathy (PMID: 19884007). It has also been observed to segregate with disease in related individuals. This variant is present in population databases (no rsID available, gnomAD 0.002%). This sequence change creates a premature translational stop signal (p.Glu591Serfs*5) in the COL6A2 gene. It is expected to result in an absent or disrupted protein product. Loss-of-function variants in COL6A2 are known to be pathogenic (PMID: 19884007, 20976770). This variant also falls at the last nucleotide of exon 23, which is part of the consensus splice site for this exon.

Eurofins Ntd Llc (ga)
Classification: Likely pathogenic. Last evaluated: 2016-07-25. Review status: criteria provided, single submitter. Criteria: EGL Classification Definitions 2015. Collection method: clinical testing. Allele origin: germline. Observed: 1 variant allele, 1 heterozygote.

Literature cited by the submitters: PubMed 17576681 (cited by Labcorp Genetics (formerly Invitae), Labcorp); PubMed 9536098 (cited by Labcorp Genetics (formerly Invitae), Labcorp); PubMed 19884007 (cited by Labcorp Genetics (formerly Invitae), Labcorp); PubMed 20976770 (cited by Labcorp Genetics (formerly Invitae), Labcorp).